The following is an entry in ClinVar:

ClinVar aggregate classification (germline): Conflicting classifications of pathogenicity. Review status: criteria provided, conflicting classifications (1 of 4 stars). 9 submissions from 9 submitters: Uncertain significance (7); Likely benign (1). 1 of the submissions does not count toward it. Last evaluated 2026-01-21.

Conditions:
Hereditary cancer-predisposing syndrome. Also called: Tumor predisposition; Hereditary neoplastic syndrome; Hereditary Cancer Syndrome; Neoplastic Syndromes, Hereditary. Identifiers: Orphanet 140162, MedGen C0027672, MeSH D009386, MONDO:0015356.
ATM-related cancer predisposition. Also called: ATM-related cancer susceptibility. Identifiers: MedGen CN377759, MONDO:0700270.
Familial cancer of breast. Also called: BREAST CANCER, FAMILIAL; Hereditary breast cancer; hereditary breast carcinoma. Identifiers: Orphanet 227535, MedGen C0346153, MONDO:0016419, OMIM 114480. Disease mechanism: loss of function.
Ataxia-telangiectasia syndrome (AT). Also called: Ataxia telangiectasia (A-T); Ataxia-telangiectasia, complementation group E; ATAXIA-TELANGIECTASIA, COMPLEMENTATION GROUP A; ATAXIA-TELANGIECTASIA, FRESNO VARIANT; Ataxia-telangiectasia; Cerebello-oculocutaneous telangiectasia. Identifiers: Orphanet 100, MedGen C0004135, MONDO:0008840, OMIM 208900.

Allele frequency attached by ClinVar (database versions not stated): gnomAD exomes below 0.00001 and 0.00001; ExAC 0.00001.
gnomAD v4.1: 6 of 1,613,742 alleles (0.00037%); highest among the groups gnomAD compares: Non-Finnish European, 0.00051%; no homozygotes.

Submissions (9):

Labcorp Genetics (formerly Invitae), Labcorp
Classification: Likely benign for Ataxia-telangiectasia syndrome. Last evaluated: 2026-01-21. Review status: criteria provided, single submitter. Criteria: Invitae Variant Classification Sherloc (09022015). Collection method: clinical testing. Allele origin: germline.

Color Diagnostics, LLC DBA Color Health
Classification: Uncertain significance for Hereditary cancer-predisposing syndrome. Last evaluated: 2025-11-20. Review status: criteria provided, single submitter. Criteria: ACMG Guidelines, 2015. Collection method: clinical testing. Allele origin: germline.
Comment: This missense variant replaces asparagine with serine at codon 1595 of the ATM protein. Computational prediction suggests that this variant may not impact protein structure and function. To our knowledge, functional studies have not been reported for this variant. This variant has been reported in individuals affected with breast cancer in the literature (PMID: 20305132, 31159747). This variant has been identified in 1/251242 chromosomes in the general population by the Genome Aggregation Database (gnomAD). The available evidence is insufficient to determine the role of this variant in disease conclusively. Therefore, this variant is classified as a Variant of Uncertain Significance.

Women's Health and Genetics/Laboratory Corporation of America, LabCorp
Classification: Uncertain significance. Last evaluated: 2025-10-13. Review status: criteria provided, single submitter. Criteria: LabCorp Variant Classification Summary - May 2015. Collection method: clinical testing. Allele origin: germline.
Comment: Variant summary: ATM c.4784A>G (p.Asn1595Ser) results in a conservative amino acid change in the encoded protein sequence. Algorithms developed to predict the effect of missense changes on protein structure and function all suggest that this variant is likely to be tolerated. The variant allele was found at a frequency of 4e-06 in 251242 control chromosomes. The available data on variant occurrences in the general population are insufficient to allow any conclusion about variant significance. c.4784A>G has been observed in individual(s) affected with Breast Cancer without evidence for causality (Bernstein_2010, Tsaousis_2019). These report(s) do not provide unequivocal conclusions about association of the variant with Breast Cancer. To our knowledge, no experimental evidence demonstrating an impact on protein function has been reported. The following publications have been ascertained in the context of this evaluation (PMID: 20305132, 31159747). ClinVar contains an entry for this variant (Variation ID: 236723). Based on the evidence outlined above, the variant was classified as uncertain significance.

Dasa
Classification: Uncertain significance for ATM-related cancer predisposition. Last evaluated: 2025-09-08. Review status: criteria provided, single submitter. Criteria: DASA Assertion Criteria. Collection method: clinical testing. Allele origin: germline.
Comment: NM_000051.4(ATM):c.4784A>G (p.Asn1595Ser) is a missense variant that results in the substitution of asparagine with serine. This variant is rare in population databases. Computational prediction algorithms are consistent with a benign effect. The currently available literature and clinical evidence are not sufficient to establish a definitive association between this variant and the reported condition. Therefore, this variant is classified as a variant of uncertain significance.

GeneDx
Classification: Uncertain significance. Last evaluated: 2025-08-05. Review status: criteria provided, single submitter. Criteria: GeneDx Variant Classification Process June 2021. Collection method: clinical testing. Allele origin: germline.
Comment: Not observed at significant frequency in large population cohorts (gnomAD); In silico analysis suggests that this missense variant does not alter protein structure/function; Observed in individuals with breast cancer or melanoma and absent in controls (PMID: 20305132, 34262154); This variant is associated with the following publications: (PMID: 31159747, 20305132, 34262154)

Baylor Genetics
Classification: Uncertain significance for Familial cancer of breast. Last evaluated: 2024-03-13. Review status: criteria provided, single submitter. Criteria: ACMG Guidelines, 2015. Collection method: clinical testing. Allele origin: unknown.

Ambry Genetics
Classification: Uncertain significance for Hereditary cancer-predisposing syndrome. Last evaluated: 2023-12-27. Review status: criteria provided, single submitter. Criteria: Ambry Variant Classification Scheme 2023. Collection method: clinical testing. Allele origin: germline.
Comment: The p.N1595S variant (also known as c.4784A>G), located in coding exon 31 of the ATM gene, results from an A to G substitution at nucleotide position 4784. The asparagine at codon 1595 is replaced by serine, an amino acid with highly similar properties. This alteration has been reported as a variant of uncertain significance in 1/1197 individuals from Greece, Romania, and Turkey undergoing multigene panel testing for inherited cancer predisposition (Tsaousis GN et al. BMC Cancer 2019 Jun;19(1):535). This alteration was also identified in 1/2105 women with invasive breast cancer who were tested for variants in the ATM gene (Bernstein JL et al. J Natl Cancer Inst 2010 Apr;102(7):475-83). This amino acid position is not well conserved in available vertebrate species. In addition, this alteration is predicted to be tolerated by in silico analysis. Since supporting evidence is limited at this time, the clinical significance of this alteration remains unclear.

GeneKor MSA
Classification: Uncertain significance for Hereditary cancer-predisposing syndrome. Last evaluated: 2018-08-01. Review status: criteria provided, single submitter. Criteria: ACMG Guidelines, 2015. Collection method: clinical testing. Allele origin: germline. Affected: yes.

Natera, Inc.
Classification: Uncertain significance for Ataxia-telangiectasia. Last evaluated: 2021-01-28. Review status: no assertion criteria provided. Collection method: clinical testing. Allele origin: germline. Not counted in ClinVar's aggregate classification.

Literature cited by the submitters: PubMed 20305132 (cited by Color Diagnostics, LLC DBA Color Health and Women's Health and Genetics/Laboratory Corporation of America, LabCorp); PubMed 31159747 (cited by Color Diagnostics, LLC DBA Color Health and Women's Health and Genetics/Laboratory Corporation of America, LabCorp).

NM_000051.4(ATM):c.4784A>G (p.Asn1595Ser)

Gene: ATM (ATM serine/threonine kinase; plus strand). Cytogenetic location: 11q22.3.
Variant type: single nucleotide variant.
Coding change: c.4784A>G on transcript NM_000051.4 (MANE Select); coding-DNA position 4784, A replaced by G.
Protein change: p.Asn1595Ser; replaces asparagine 1595 with serine.
Molecular consequence: missense variant.
Genome position (GRCh38, 1-based): chr11:108,294,934, A>G. VCF-style: chr11-108294934-A-G. GRCh37 (hg19) VCF-style: chr11-108165661-A-G.
Other names: c.4784A>G, p.Asn1595Ser (NM_001351834.2); short protein forms N1595S.
Identifiers: ClinVar variation 236723 (VCV000236723.28), dbSNP rs777812804, ClinGen allele CA6265557.